The following is an entry in ClinVar:

NM_001103.4(ACTN2):c.1480G>A (p.Gly494Arg)

Gene: ACTN2 (actinin alpha 2; plus strand). Cytogenetic location: 1q43.
Variant type: single nucleotide variant.
Coding change: c.1480G>A on transcript NM_001103.4 (MANE Select); coding-DNA position 1480, G replaced by A.
Protein change: p.Gly494Arg; replaces glycine 494 with arginine.
Molecular consequence: missense variant. On other transcripts: non-coding transcript variant (1).
Genome position (GRCh38, 1-based): chr1:236,747,740, G>A. VCF-style: chr1-236747740-G-A. GRCh37 (hg19) VCF-style: chr1-236911040-G-A.
Other names: c.1480G>A, p.Gly494Arg (NM_001278343.2); short protein forms G494R.
Identifiers: ClinVar variation 3826296 (VCV003826296.1).

ClinVar aggregate classification (germline): Uncertain significance (1 of 4 stars; one submission).

Conditions:
Cardiovascular phenotype. Identifiers: MedGen CN230736.

Submission:

Ambry Genetics
Classification: Uncertain significance for Cardiovascular phenotype. Last evaluated: 2024-12-20. Review status: criteria provided, single submitter. Criteria: Ambry Variant Classification Scheme 2023. Collection method: clinical testing. Allele origin: germline.
Comment: The p.G494R variant (also known as c.1480G>A), located in coding exon 13 of the ACTN2 gene, results from a G to A substitution at nucleotide position 1480. The glycine at codon 494 is replaced by arginine, an amino acid with dissimilar properties. This amino acid position is conserved. In addition, the in silico prediction for this alteration is inconclusive. Based on the available evidence, the clinical significance of this variant remains unclear.